The following is an entry in ClinVar:

NM_007078.3(LDB3):c.689+3861C>T

Genes: LDB3 (LIM domain binding 3; plus strand), LOC110121486 (VISTA enhancer hs2143; plus strand). Cytogenetic location: 10q23.2.
Variant type: single nucleotide variant.
Coding change: c.689+3861C>T on transcript NM_007078.3 (MANE Select); 3861 bases into the intron after coding-DNA position 689, C replaced by T.
Molecular consequence: intron variant.
Genome position (GRCh38, 1-based): chr10:86,685,664, C>T. VCF-style: chr10-86685664-C-T. GRCh37 (hg19) VCF-style: chr10-88445421-C-T.
Other names: c.322-14C>T (NM_001080116.1, NM_001368068.1, NM_001368066.1 and 2 more transcripts); c.689+3861C>T (NM_001368064.1, NM_001368063.1, NM_001368065.1 and 1 more transcripts); c.690-1405C>T (NM_001171610.2, NM_001171611.2).
Identifiers: ClinVar variation 227494 (VCV000227494.22), dbSNP rs754704023, ClinGen allele CA5584773.

ClinVar aggregate classification (germline): Likely benign. Review status: criteria provided, multiple submitters, no conflicts (2 of 4 stars). 6 submissions from 6 submitters: Likely benign (3). 3 of the submissions do not count toward it. Last evaluated 2025-07-14.

Conditions:
Myofibrillar myopathy 4. Also called: Zaspopathy (type). Identifiers: Orphanet 98912, MedGen C4721886, MONDO:0012277, OMIM 609452.

Allele frequency attached by ClinVar (database versions not stated): gnomAD 0.00004; TOPMed 0.00005; gnomAD exomes 0.00010 and 0.00012; ExAC 0.00013.
gnomAD v4.1: 172 of 1,613,742 alleles (0.011%); highest among the groups gnomAD compares: Non-Finnish European, 0.014%; 1 homozygote.

Submissions (6):

Labcorp Genetics (formerly Invitae), Labcorp
Classification: Likely benign for Myofibrillar myopathy 4. Last evaluated: 2025-07-14. Review status: criteria provided, single submitter. Criteria: Invitae Variant Classification Sherloc (09022015). Collection method: clinical testing. Allele origin: germline.

Blueprint Genetics
Classification: Likely benign. Last evaluated: 2024-11-22. Review status: criteria provided, single submitter. Criteria: ACMG Guidelines, 2015. Collection method: clinical testing. Allele origin: germline.

Laboratory for Molecular Medicine, Mass General Brigham Personalized Medicine
Classification: Likely benign. Last evaluated: 2015-06-11. Review status: criteria provided, single submitter. Criteria: LMM Criteria. Collection method: clinical testing. Allele origin: germline. Observed: 1 variant allele.
Comment: c.322-14C>T in intron 3 of LDB3: This variant is not expected to have clinical s ignificance because a C>T change at this position does not diverge from the spli ce consensus sequence and is therefore unlikely to impact splicing. It has been identified in 16/66740 European chromosomes by the Exome Aggregation Consortium (ExAC; dbSNP rs754704023).

Clinical Genetics DNA and cytogenetics Diagnostics Lab, Erasmus MC, Erasmus Medical Center
Classification: Likely benign. Review status: no assertion criteria provided. Collection method: clinical testing. Allele origin: germline. Affected: yes. Study: VKGL Data-share Consensus. Not counted in ClinVar's aggregate classification.

Clinical Genetics, Academic Medical Center
Classification: Benign. Review status: no assertion criteria provided. Collection method: clinical testing. Allele origin: germline. Affected: yes. Study: VKGL Data-share Consensus. Not counted in ClinVar's aggregate classification.

Diagnostic Laboratory, Department of Genetics, University Medical Center Groningen
Classification: Likely benign. Review status: no assertion criteria provided. Collection method: clinical testing. Allele origin: germline. Affected: yes. Study: VKGL Data-share Consensus. Not counted in ClinVar's aggregate classification.